The following is an entry in ClinVar:

ClinVar aggregate classification (germline): Likely pathogenic (1 of 4 stars; one submission).

Conditions:
Congenital lactic acidosis, Saguenay-Lac-Saint-Jean type (MC4DN5). Also called: CYTOCHROME c OXIDASE DEFICIENCY, FRENCH CANADIAN TYPE; COX DEFICIENCY, FRENCH CANADIAN TYPE; MITOCHONDRIAL COMPLEX IV DEFICIENCY, NUCLEAR TYPE 5. Identifiers: Orphanet 70472, MedGen C1857355, MONDO:0009069, OMIM 220111.

Submission:

Genetics Laboratory, Department of Biology, Semnan University
Classification: Likely pathogenic for Congenital lactic acidosis, Saguenay-Lac-Saint-Jean type. Last evaluated: 2018-05-24. Review status: criteria provided, single submitter. Criteria: ACMG Guidelines, 2015. Collection method: research. Allele origin: germline. Inheritance: Autosomal recessive inheritance. Affected: yes. Observed: 1 variant allele, 1 homozygote.
Comment: The identified variant leads to the substitution of Glutamine codon 947 with stop codon in the LRPPRC gene mRNA. Hence, this substitution could alter the amino acid sequence and could leads to a decreased function or loss of function of mutated protein.

Literature cited by the submitters: DOI 10.1136/jmg.2010.081976.

NM_133259.4(LRPPRC):c.2839C>T (p.Gln947Ter)

Gene: LRPPRC (leucine rich pentatricopeptide repeat containing; minus strand). Cytogenetic location: 2p21.
Variant type: single nucleotide variant.
Coding change: c.2839C>T on transcript NM_133259.4 (MANE Select); coding-DNA position 2839, C replaced by T.
Protein change: p.Gln947Ter; replaces glutamine 947 with a stop codon.
Molecular consequence: nonsense.
Genome position (GRCh38, 1-based): chr2:43,925,124, G>A on the plus strand (C>T on the coding strand, the complement: LRPPRC is on the minus strand). VCF-style: chr2-43925124-G-A. GRCh37 (hg19) VCF-style: chr2-44152263-G-A.
Other names: short protein forms Q947*.
Identifiers: ClinVar variation 4886953 (VCV004886953.1).